The following is an entry in ClinVar:

NM_000243.3(MEFV):c.2068G>C (p.Val690Leu)

Genes: MEFV (MEFV innate immunity regulator, pyrin; minus strand), LOC126862264 (CDK7 strongly-dependent group 2 enhancer GRCh37_chr16:3293322-3294521; plus strand). Cytogenetic location: 16p13.3.
Variant type: single nucleotide variant.
Coding change: c.2068G>C on transcript NM_000243.3 (MANE Select); coding-DNA position 2068, G replaced by C.
Protein change: p.Val690Leu; replaces valine 690 with leucine.
Molecular consequence: missense variant. On other transcripts: 3 prime UTR variant (1).
Genome position (GRCh38, 1-based): chr16:3,243,419, C>G on the plus strand (G>C on the coding strand, the complement: MEFV is on the minus strand). VCF-style: chr16-3243419-C-G. GRCh37 (hg19) VCF-style: chr16-3293419-C-G.
Other names: c.*272G>C (NM_001198536.2); short protein forms V690L.
Identifiers: ClinVar variation 888112 (VCV000888112.6), dbSNP rs1281153557, ClinGen allele CA394486275.

ClinVar aggregate classification (germline): Conflicting classifications of pathogenicity. Review status: criteria provided, conflicting classifications (1 of 4 stars). 5 submissions from 3 submitters: Uncertain significance (3); Likely benign (2). Last evaluated 2023-02-08.

Conditions:
Acute febrile neutrophilic dermatosis (AFND). Also called: Sweet Syndrome; Gomm Button disease. Identifiers: Orphanet 3243, MedGen C0085077, MONDO:0011959, OMIM 608068.
Familial Mediterranean fever, autosomal dominant. Also called: FMF, AUTOSOMAL DOMINANT; Dominant Familial Mediterranean Fever. Identifiers: Orphanet 342, MedGen C1851347, MONDO:0007601, OMIM 134610.
Familial Mediterranean fever (FMF). Also called: POLYSEROSITIS, FAMILIAL PAROXYSMAL; POLYSEROSITIS, RECURRENT; Periodic peritonitis; Benign paroxysmal peritonitis. Identifiers: Orphanet 342, MedGen C0031069, MONDO:0018088, OMIM 249100. Disease mechanism: gain of function.

Allele frequency attached by ClinVar (database versions not stated): TOPMed 0.00001.
gnomAD v4.1: 3 of 1,614,184 alleles (0.00019%); highest among the groups gnomAD compares: Non-Finnish European, 0.00025%; no homozygotes.

Submissions (5):

Genome-Nilou Lab
Classification: Uncertain significance for Familial Mediterranean fever. Last evaluated: 2023-02-08. Review status: criteria provided, single submitter. Criteria: ACMG Guidelines, 2015. Collection method: clinical testing. Allele origin: germline.

Genome-Nilou Lab
Classification: Likely benign for Familial Mediterranean fever, autosomal dominant. Last evaluated: 2023-02-08. Review status: criteria provided, single submitter. Criteria: ACMG Guidelines, 2015. Collection method: clinical testing. Allele origin: germline.

Genome-Nilou Lab
Classification: Likely benign for Acute febrile neutrophilic dermatosis. Last evaluated: 2023-02-08. Review status: criteria provided, single submitter. Criteria: ACMG Guidelines, 2015. Collection method: clinical testing. Allele origin: germline.

Fulgent Genetics
Classification: Uncertain significance for Familial Mediterranean fever, autosomal dominant; Familial Mediterranean fever; Acute febrile neutrophilic dermatosis. Last evaluated: 2022-02-05. Review status: criteria provided, single submitter. Criteria: ACMG Guidelines, 2015. Collection method: clinical testing. Allele origin: unknown.

Illumina Laboratory Services, Illumina
Classification: Uncertain significance for Familial Mediterranean fever. Last evaluated: 2017-04-28. Review status: criteria provided, single submitter. Criteria: ICSL Variant Classification Criteria 13 December 2019. Collection method: clinical testing. Allele origin: germline.
Comment: This variant was observed as part of a predisposition screen in an ostensibly healthy population. A literature search was performed for the gene, cDNA change, and amino acid change (where applicable). Publications were found based on this search. However, the evidence from the literature, in combination with allele frequency data from public databases where available, was not sufficient to rule this variant in or out of causing disease. Therefore, this variant is classified as a variant of unknown significance.

Literature cited by the submitters: PubMed 26299986 (cited by Illumina Laboratory Services, Illumina).